The following is an entry in ClinVar:

NM_000311.5(PRNP):c.513C>G (p.Asn171Lys)

Gene: PRNP (prion protein (Kanno blood group); plus strand). Cytogenetic location: 20p13.
Variant type: single nucleotide variant.
Coding change: c.513C>G on transcript NM_000311.5 (MANE Select); coding-DNA position 513, C replaced by G.
Protein change: p.Asn171Lys; replaces asparagine 171 with lysine.
Molecular consequence: missense variant. On other transcripts: 3 prime UTR variant (1).
Genome position (GRCh38, 1-based): chr20:4,699,733, C>G. VCF-style: chr20-4699733-C-G. GRCh37 (hg19) VCF-style: chr20-4680379-C-G.
Other names: c.513C>G, p.Asn171Lys (NM_001080121.3, NM_001080122.3, NM_001080123.3 and 1 more transcripts); c.*202C>G (NM_001271561.3); short protein forms N171K.
Identifiers: ClinVar variation 4740366 (VCV004740366.1).
Genomic context (GRCh38, chr20:4,699,733, plus strand): 5'-TGAAAACATGCACCGTTACCCCAACCAAGTGTACTACAGGCCCATGGATGAGTACAGCAA[C>G]CAGAACAACTTTGTGCACGACTGCGTCAATATCACAATCAAGCAGCACACGGTCACCACA-3'
Protein context (NP_000302.1, residues 161-181): VYYRPMDEYS[Asn171Lys]QNNFVHDCVN

ClinVar aggregate classification (germline): Uncertain significance (1 of 4 stars; one submission).

Conditions:
Huntington disease-like 1 (HDL1). Also called: HUNTINGTON-LIKE NEURODEGENERATIVE DISORDER 1; HUNTINGTON-LIKE NEURODEGENERATIVE DISORDER, AUTOSOMAL DOMINANT; PRION DISEASE, EARLY-ONSET, WITH PROMINENT PSYCHIATRIC FEATURES. Identifiers: Orphanet 157941, MedGen C1864112, MONDO:0011299, OMIM 603218.

gnomAD v4.1: 3 of 1,614,006 alleles (0.00019%); highest among the groups gnomAD compares: Non-Finnish European, 0.00025%; no homozygotes.

Submission:

Labcorp Genetics (formerly Invitae), Labcorp
Classification: Uncertain significance for Huntington disease-like 1. Last evaluated: 2025-07-26. Review status: criteria provided, single submitter. Criteria: Invitae Variant Classification Sherloc (09022015). Collection method: clinical testing. Allele origin: germline.
Comment: This sequence change replaces asparagine, which is neutral and polar, with lysine, which is basic and polar, at codon 171 of the PRNP protein (p.Asn171Lys). This variant is present in population databases (rs762782379, gnomAD 0.0009%). This variant has not been reported in the literature in individuals affected with PRNP-related conditions. Invitae Evidence Modeling of protein sequence and biophysical properties (such as structural, functional, and spatial information, amino acid conservation, physicochemical variation, residue mobility, and thermodynamic stability) indicates that this missense variant is not expected to disrupt PRNP protein function with a negative predictive value of 80%. In summary, the available evidence is currently insufficient to determine the role of this variant in disease. Therefore, it has been classified as a Variant of Uncertain Significance.